The following is an entry in ClinVar:

ClinVar aggregate classification (germline): Uncertain significance (1 of 4 stars; one submission).

Conditions:
Tuberous sclerosis 2 (TSC2). Identifiers: Orphanet 805, MedGen C1860707, MONDO:0013199, OMIM 613254.

Submission:

Labcorp Genetics (formerly Invitae), Labcorp
Classification: Uncertain significance for Tuberous sclerosis 2. Last evaluated: 2020-12-10. Review status: criteria provided, single submitter. Criteria: Invitae Variant Classification Sherloc (09022015). Collection method: clinical testing. Allele origin: germline.
Comment: This sequence change replaces leucine with methionine at codon 1562 of the TSC2 protein (p.Leu1562Met). The leucine residue is highly conserved and there is a small physicochemical difference between leucine and methionine. This variant is not present in population databases (ExAC no frequency). This variant has not been reported in the literature in individuals with TSC2-related conditions. Advanced modeling of protein sequence and biophysical properties (such as structural, functional, and spatial information, amino acid conservation, physicochemical variation, residue mobility, and thermodynamic stability) performed at Invitae indicates that this missense variant is expected to disrupt TSC2 protein function. In summary, the available evidence is currently insufficient to determine the role of this variant in disease. Therefore, it has been classified as a Variant of Uncertain Significance.

NM_000548.5(TSC2):c.4684C>A (p.Leu1562Met)

Gene: TSC2 (TSC complex subunit 2; plus strand). Cytogenetic location: 16p13.3.
Variant type: single nucleotide variant.
Coding change: c.4684C>A on transcript NM_000548.5 (MANE Select); coding-DNA position 4684, C replaced by A.
Protein change: p.Leu1562Met; replaces leucine 1562 with methionine.
Molecular consequence: missense variant.
Genome position (GRCh38, 1-based): chr16:2,086,214, C>A. VCF-style: chr16-2086214-C-A. GRCh37 (hg19) VCF-style: chr16-2136215-C-A.
Other names: c.4483C>A, p.Leu1495Met (NM_001077183.3); c.4615C>A, p.Leu1539Met (NM_001114382.3); c.4375C>A, p.Leu1459Met (NM_001318827.2); c.4339C>A, p.Leu1447Met (NM_001318829.2); c.3952C>A, p.Leu1318Met (NM_001318831.2); c.4516C>A, p.Leu1506Met (NM_001318832.2); c.4486C>A, p.Leu1496Met (NM_001363528.2); c.4552C>A, p.Leu1518Met (NM_001370404.1); and 1 more; short protein forms L1318M, L1447M, L1496M, L1539M, L1562M, L1459M, L1495M, L1518M.
Identifiers: ClinVar variation 1492677 (VCV001492677.8), dbSNP rs1057523304, ClinGen allele CA394307057.
Genomic context (GRCh38, chr16:2,086,214, plus strand): 5'-CGGGAGTGATGCCACCCTGCCTCTCCCCTCTCCCCACAGAGCAACAGCGAGCTCGCCATC[C>A]TGTCCAATGAGCATGGCTCCTACAGGTACACGGAGTTCCTGACGGGCCTGGGCCGGCTCA-3'
Protein context (NP_000539.2, residues 1552-1572): EGQSNSELAI[Leu1562Met]SNEHGSYRYT